The following is an entry in ClinVar:

ClinVar aggregate classification (germline): Likely benign (1 of 4 stars; one submission).

Submission:

GeneDx
Classification: Likely benign. Last evaluated: 2016-01-28. Review status: criteria provided, single submitter. Criteria: GeneDx Variant Classification (06012015). Collection method: clinical testing. Allele origin: germline. Affected: yes.
Comment: This variant is considered likely benign or benign based on one or more of the following criteria: it is a conservative change, it occurs at a poorly conserved position in the protein, it is predicted to be benign by multiple in silico algorithms, and/or has population frequency not consistent with disease.

NM_000059.4(BRCA2):c.1218C>T (p.Ala406=)

Gene: BRCA2 (BRCA2 DNA repair associated; plus strand). Cytogenetic location: 13q13.1.
Variant type: single nucleotide variant.
Coding change: c.1218C>T on transcript NM_000059.4 (MANE Select); coding-DNA position 1218, C replaced by T.
Protein change: p.Ala406=; no amino-acid change (alanine 406 retained).
Molecular consequence: synonymous variant.
Genome position (GRCh38, 1-based): chr13:32,332,696, C>T. VCF-style: chr13-32332696-C-T. GRCh37 (hg19) VCF-style: chr13-32906833-C-T.
Identifiers: ClinVar variation 383421 (VCV000383421.1), dbSNP rs276174807, ClinGen allele CA16606411.